The following is an entry in ClinVar:

NM_021620.4(PRDM13):c.1298G>C (p.Arg433Pro)

Gene: PRDM13 (PR/SET domain 13; plus strand). Cytogenetic location: 6q16.2.
Variant type: single nucleotide variant.
Coding change: c.1298G>C on transcript NM_021620.4 (MANE Select); coding-DNA position 1298, G replaced by C.
Protein change: p.Arg433Pro; replaces arginine 433 with proline.
Molecular consequence: missense variant.
Genome position (GRCh38, 1-based): chr6:99,613,933, G>C. VCF-style: chr6-99613933-G-C. GRCh37 (hg19) VCF-style: chr6-100061809-G-C.
Other names: short protein forms R433P.
Identifiers: ClinVar variation 962427 (VCV000962427.9), dbSNP rs752442723, ClinGen allele CA3936348.

ClinVar aggregate classification (germline): Uncertain significance (1 of 4 stars; one submission).

Allele frequency attached by ClinVar (database versions not stated): ExAC 0.00002; gnomAD 0.00002 and 0.00003; TOPMed 0.00003; gnomAD exomes 0.00004.

Submission:

Labcorp Genetics (formerly Invitae), Labcorp
Classification: Uncertain significance. Last evaluated: 2025-01-06. Review status: criteria provided, single submitter. Criteria: Invitae Variant Classification Sherloc (09022015). Collection method: clinical testing. Allele origin: germline.
Comment: This sequence change replaces arginine, which is basic and polar, with proline, which is neutral and non-polar, at codon 433 of the PRDM13 protein (p.Arg433Pro). This variant is present in population databases (rs752442723, gnomAD 0.05%). This variant has not been reported in the literature in individuals affected with PRDM13-related conditions. ClinVar contains an entry for this variant (Variation ID: 962427). An algorithm developed to predict the effect of missense changes on protein structure and function (PolyPhen-2) suggests that this variant is likely to be disruptive. In summary, the available evidence is currently insufficient to determine the role of this variant in disease. Therefore, it has been classified as a Variant of Uncertain Significance.